The following is an entry in ClinVar:

NM_138694.4(PKHD1):c.6984C>T (p.Thr2328=)

Gene: PKHD1 (PKHD1 ciliary IPT domain containing fibrocystin/polyductin; minus strand). Cytogenetic location: 6p12.2.
Variant type: single nucleotide variant.
Coding change: c.6984C>T on transcript NM_138694.4 (MANE Select); coding-DNA position 6984, C replaced by T.
Protein change: p.Thr2328=; no amino-acid change (threonine 2328 retained).
Molecular consequence: synonymous variant.
Genome position (GRCh38, 1-based): chr6:51,903,609, G>A on the plus strand (C>T on the coding strand, the complement: PKHD1 is on the minus strand). VCF-style: chr6-51903609-G-A. GRCh37 (hg19) VCF-style: chr6-51768407-G-A.
Other names: c.6984C>T (NM_138694.3); c.6984C>T, p.Thr2328= (NM_170724.3).
Identifiers: ClinVar variation 1160547 (VCV001160547.10), dbSNP rs770983834, ClinGen allele CA3852110.

ClinVar aggregate classification (germline): Likely benign. Review status: criteria provided, multiple submitters, no conflicts (2 of 4 stars). 2 submissions from 2 submitters: Likely benign (2). Last evaluated 2024-11-16.

Conditions:
PKHD1-related disorder. Also called: PKHD1-related condition.
Autosomal recessive polycystic kidney disease (ARPKD). Also called: AR polycystic kidney disease. Identifiers: Orphanet 731, Orphanet 8378, MedGen C0085548, MeSH D017044, MONDO:0009889.

Allele frequency attached by ClinVar (database versions not stated): gnomAD exomes 0.00001; ExAC 0.00002.
gnomAD v4.1: 10 of 1,610,440 alleles (0.00062%); highest among the groups gnomAD compares: South Asian, 0.0099%; 1 homozygote.

Submissions (2):

PreventionGenetics, part of Exact Sciences
Classification: Likely benign for PKHD1-related condition. Last evaluated: 2024-11-16. Review status: criteria provided, single submitter. Criteria: ACMG Guidelines, 2015. Collection method: clinical testing. Allele origin: germline.
Comment: This variant is classified as likely benign based on ACMG/AMP sequence variant interpretation guidelines (Richards et al. 2015 PMID: 25741868, with internal and published modifications).

Labcorp Genetics (formerly Invitae), Labcorp
Classification: Likely benign for Autosomal recessive polycystic kidney disease. Last evaluated: 2023-09-03. Review status: criteria provided, single submitter. Criteria: Invitae Variant Classification Sherloc (09022015). Collection method: clinical testing. Allele origin: germline.